The following is an entry in ClinVar:

ClinVar aggregate classification (germline): Conflicting classifications of pathogenicity. Review status: criteria provided, conflicting classifications (1 of 4 stars). 4 submissions from 4 submitters: Uncertain significance (2); Likely benign (2). Last evaluated 2026-01-04.

Conditions:
Inborn genetic diseases. Identifiers: MedGen C0950123, MeSH D030342.
Cerebral folate transport deficiency. Also called: NEURODEGENERATION DUE TO CEREBRAL FOLATE TRANSPORT DEFICIENCY; FOLATE RECEPTOR DEFICIENCY; Cerebral folate deficiency syndrome; Neurodegenerative syndrome due to cerebral folate transport deficiency; FOLR1-Related Cerebral Folate Transport Deficiency. Identifiers: Orphanet 217382, MedGen C2751584, MONDO:0013110, OMIM 613068. Disease mechanism: loss of function.

Allele frequency attached by ClinVar (database versions not stated): gnomAD exomes 0.00008 and 0.00003; ExAC 0.00009; gnomAD 0.00027 and 0.00028; TOPMed 0.00030; ESP Exome Variant Server 0.00039.
gnomAD v4.1: 80 of 1,614,126 alleles (0.005%); highest among the groups gnomAD compares: African/African-American, 0.088%; 1 homozygote.

Submissions (4):

Labcorp Genetics (formerly Invitae), Labcorp
Classification: Likely benign for Cerebral folate transport deficiency. Last evaluated: 2026-01-04. Review status: criteria provided, single submitter. Criteria: Invitae Variant Classification Sherloc (09022015). Collection method: clinical testing. Allele origin: germline.

Ambry Genetics
Classification: Likely benign for Inborn genetic diseases. Last evaluated: 2024-06-07. Review status: criteria provided, single submitter. Criteria: Ambry Variant Classification Scheme 2023. Collection method: clinical testing. Allele origin: germline.

GeneDx
Classification: Uncertain significance. Last evaluated: 2021-11-23. Review status: criteria provided, single submitter. Criteria: GeneDx Variant Classification Process June 2021. Collection method: clinical testing. Allele origin: germline. Affected: yes.
Comment: In silico analysis supports that this missense variant has a deleterious effect on protein structure/function; Has not been previously published as pathogenic or benign to our knowledge

Genetic Services Laboratory, University of Chicago
Classification: Uncertain significance. Last evaluated: 2019-06-14. Review status: criteria provided, single submitter. Criteria: ACMG Guidelines, 2015. Collection method: clinical testing. Allele origin: germline. Affected: no.

NM_016729.3(FOLR1):c.103A>G (p.Asn35Asp)

Genes: FOLR1-AS1 (FOLR1 antisense RNA 1; minus strand), FOLR1 (folate receptor alpha; plus strand). Cytogenetic location: 11q13.4.
Variant type: single nucleotide variant.
Coding change: c.103A>G on transcript NM_016729.3 (MANE Select); coding-DNA position 103, A replaced by G.
Protein change: p.Asn35Asp; replaces asparagine 35 with aspartic acid.
Molecular consequence: missense variant.
Genome position (GRCh38, 1-based): chr11:72,192,276, A>G. VCF-style: chr11-72192276-A-G. GRCh37 (hg19) VCF-style: chr11-71903320-A-G.
Other names: c.103A>G, p.Asn35Asp (NM_000802.3, NM_016724.3, NM_016725.3); short protein forms N35D.
Identifiers: ClinVar variation 418217 (VCV000418217.22), dbSNP rs149216939, ClinGen allele CA6169107.